The following is an entry in ClinVar:

GRCh37/hg19 4q11-13.1(chr4:52685685-61903883)x1

Genes: AASDH (aminoadipate-semialdehyde dehydrogenase; minus strand), ARL9 (ADP ribosylation factor like GTPase 9; plus strand), CEP135 (centrosomal protein 135; plus strand), CHIC2 (cysteine rich hydrophobic domain 2; minus strand), CLOCK (clock circadian regulator; minus strand) and 33 more. Cytogenetic location: 4q11-13.1.
Variant type: copy number loss.
Change: copy number 1 (one copy instead of two) of chr4:52,685,685-61,903,883 (9.22 Mb, GRCh37 coordinates, 1-based), cytogenetic band 4q11-13.1.
Identifiers: ClinVar variation 2685108 (VCV002685108.1).

ClinVar aggregate classification (germline): Pathogenic (1 of 4 stars; one submission).

Submission:

Quest Diagnostics Nichols Institute San Juan Capistrano
Classification: Pathogenic. Last evaluated: 2022-10-31. Review status: criteria provided, single submitter. Criteria: ACMG/ClinGen CNV Guidelines, 2019. Collection method: clinical testing. Allele origin: unknown.
Comment: The copy number loss of 4q12q13.1 involves numerous protein-coding genes. Heterozygous sequence variants, as well as hemizygous deletions, of KIT are associated with autosomal dominant piebaldism (OMIM 172800) and cutaneous mastocytosis (OMIM 154800). In addition, heterozygous loss-of-function variants of SRP72 are associated with autosomal dominant bone marrow failure syndrome-1 (OMIM 614675). Furthermore, heterozygous loss-of-function variants of REST are associated with autosomal dominant gingival fibromatosis-5 (OMIM 617626). Deletions of 4q12 have been identified in individuals with variable phenotypes (Fruschelli 2022, Hyder 2021). There are no similar copy number losses of this region in the general populations of the Database of Genomic Variants. Thus, based on current medical literature and gene content, this copy number variant (CNV) is interpreted as pathogenic. References : Fruschelli et al., Ophthalmic Genet. 2022 Feb;43(1):120-122. PMID: 34551660 Hyder et al., J Med Genet. 2021 Sep;58(9):581-585. PMID: 32917767 Mahamdallie et al., Nat Genet. 2015 Dec;47(12):1471-4. PMID: 26551668